The following is an entry in ClinVar:

NM_015338.6(ASXL1):c.2770C>G (p.Pro924Ala)

Gene: ASXL1 (ASXL transcriptional regulator 1; plus strand). Cytogenetic location: 20q11.21.
Variant type: single nucleotide variant.
Coding change: c.2770C>G on transcript NM_015338.6 (MANE Select); coding-DNA position 2770, C replaced by G.
Protein change: p.Pro924Ala; replaces proline 924 with alanine.
Molecular consequence: missense variant.
Genome position (GRCh38, 1-based): chr20:32,435,482, C>G. VCF-style: chr20-32435482-C-G. GRCh37 (hg19) VCF-style: chr20-31023285-C-G.
Other names: c.2587C>G, p.Pro863Ala (NM_001363734.1); short protein forms P863A, P924A.
Identifiers: ClinVar variation 2814378 (VCV002814378.3), dbSNP rs772187243, ClinGen allele CA9808700.

ClinVar aggregate classification (germline): Uncertain significance (1 of 4 stars; one submission).

Allele frequency attached by ClinVar (database versions not stated): gnomAD exomes 0.00001; ExAC 0.00002.
gnomAD v4.1: 6 of 1,614,026 alleles (0.00037%); highest among the groups gnomAD compares: Admixed American, 0.01%; no homozygotes.

Submission:

Labcorp Genetics (formerly Invitae), Labcorp
Classification: Uncertain significance. Last evaluated: 2023-02-27. Review status: criteria provided, single submitter. Criteria: Invitae Variant Classification Sherloc (09022015). Collection method: clinical testing. Allele origin: germline.
Comment: This sequence change replaces proline, which is neutral and non-polar, with alanine, which is neutral and non-polar, at codon 924 of the ASXL1 protein (p.Pro924Ala). This variant is present in population databases (rs772187243, gnomAD 0.02%). This variant has not been reported in the literature in individuals affected with ASXL1-related conditions. Algorithms developed to predict the effect of missense changes on protein structure and function output the following: SIFT: "Not Available"; PolyPhen-2: "Benign"; Align-GVGD: "Not Available". The alanine amino acid residue is found in multiple mammalian species, which suggests that this missense change does not adversely affect protein function. In summary, the available evidence is currently insufficient to determine the role of this variant in disease. Therefore, it has been classified as a Variant of Uncertain Significance.